The following is an entry in ClinVar:

ClinVar aggregate classification (germline): Uncertain significance (1 of 4 stars; one submission).

Conditions:
Inborn genetic diseases. Identifiers: MedGen C0950123, MeSH D030342.

gnomAD v4.1: 12 of 1,605,778 alleles (0.00075%); highest among the groups gnomAD compares: Non-Finnish European, 0.00094%; no homozygotes.

Submission:

Ambry Genetics
Classification: Uncertain significance for Inborn genetic diseases. Last evaluated: 2025-06-08. Review status: criteria provided, single submitter. Criteria: Ambry Variant Classification Scheme 2023. Collection method: clinical testing. Allele origin: germline.
Comment: The p.K228E variant (also known as c.682A>G), located in coding exon 5 of the ANKRD26 gene, results from an A to G substitution at nucleotide position 682. The lysine at codon 228 is replaced by glutamic acid, an amino acid with similar properties. This amino acid position is conserved. In addition, this alteration is predicted to be tolerated by in silico analysis. Based on the available evidence, the clinical significance of this variant remains unclear.

NM_014915.3(ANKRD26):c.682A>G (p.Lys228Glu)

Gene: ANKRD26 (ankyrin repeat domain containing 26; minus strand). Cytogenetic location: 10p12.1.
Variant type: single nucleotide variant.
Coding change: c.682A>G on transcript NM_014915.3 (MANE Select); coding-DNA position 682, A replaced by G.
Protein change: p.Lys228Glu; replaces lysine 228 with glutamic acid.
Molecular consequence: missense variant.
Genome position (GRCh38, 1-based): chr10:27,086,566, T>C on the plus strand (A>G on the coding strand, the complement: ANKRD26 is on the minus strand). VCF-style: chr10-27086566-T-C. GRCh37 (hg19) VCF-style: chr10-27375495-T-C.
Other names: c.682A>G, p.Lys228Glu (NM_001256053.2); short protein forms K228E.
Identifiers: ClinVar variation 2397719 (VCV002397719.3), dbSNP rs1224926596, ClinGen allele CA376366035.
Genomic context (GRCh38, chr10:27,086,566, plus strand): 5'-TTACCAAGAGAAATTCACTATTGGAAGTCTTACCTGAATTACTATTTTGAGAAGAATGTT[T>C]AGGTATCCTTTCTTCTTTATATTCTGAAATTAGTTGGTGACTGCTATGTATAGAAAAATG-3'
Protein context (NP_055730.2, residues 218-238): ISEYKEERIP[Lys228Glu]HSSQNSNSVD